The following is an entry in ClinVar:

NM_006031.6(PCNT):c.5345G>T (p.Gly1782Val)

Gene: PCNT (pericentrin; plus strand). Cytogenetic location: 21q22.3.
Variant type: single nucleotide variant.
Coding change: c.5345G>T on transcript NM_006031.6 (MANE Select); coding-DNA position 5345, G replaced by T.
Protein change: p.Gly1782Val; replaces glycine 1782 with valine.
Molecular consequence: missense variant.
Genome position (GRCh38, 1-based): chr21:46,411,418, G>T. VCF-style: chr21-46411418-G-T. GRCh37 (hg19) VCF-style: chr21-47831332-G-T.
Other names: c.4991G>T, p.Gly1664Val (NM_001315529.2); short protein forms G1782V, G1664V.
Identifiers: ClinVar variation 4988301 (VCV004988301.1).

ClinVar aggregate classification (germline): Uncertain significance (1 of 4 stars; one submission).

Conditions:
PCNT-related disorder. Also called: PCNT-related condition.

gnomAD v4.1: 3 of 1,613,016 alleles (0.00019%); highest among the groups gnomAD compares: South Asian, 0.0011%; no homozygotes.

Submission:

PreventionGenetics, part of Exact Sciences
Classification: Uncertain significance for PCNT-related condition. Last evaluated: 2025-12-18. Review status: criteria provided, single submitter. Criteria: ACMG Guidelines, 2015. Collection method: clinical testing. Allele origin: germline.
Comment: The PCNT c.5345G>T variant is predicted to result in the amino acid substitution p.Gly1782Val. To our knowledge, this variant has not been reported in the literature or in a large population database (gnomAD), indicating this variant is rare. At this time, the clinical significance of this variant is uncertain due to the absence of conclusive functional and genetic evidence.